The following is an entry in ClinVar:

NM_001292063.2(OTOG):c.8018_8019delinsAT (p.Ala2673Asp)

Gene: OTOG (otogelin; plus strand). Cytogenetic location: 11p15.1.
Variant type: Indel.
Coding change: c.8018_8019delinsAT on transcript NM_001292063.2 (MANE Select); coding-DNA positions 8018 to 8019, CC replaced by AT.
Protein change: p.Ala2673Asp; replaces alanine 2673 with aspartic acid.
Molecular consequence: missense variant.
Genome position (GRCh38, 1-based): chr11:17,640,919-17,640,920, CC replaced by AT. VCF-style: chr11-17640919-CC-AT. GRCh37 (hg19) VCF-style: chr11-17662466-CC-AT.
Other names: c.8054_8055delinsAT, p.Ala2685Asp (NM_001277269.2); c.8054_8055delCCinsAT (NM_001277269.1); short protein forms A2685D, A2673D.
Identifiers: ClinVar variation 229106 (VCV000229106.17), dbSNP rs876657945, ClinGen allele CA10576877.
Genomic context (GRCh38, chr11:17,640,919, plus strand): 5'-GGGCATGGGTGCCTGGGCTCTGGATGACTGTTGCCGCCCTGCATGCCCATCCAGTGAAGG[CC>AT]CCGGTGTGTCTGAGCCGCGAGCTGGGTGTGATGCAGCCCGGCCAGACAGTGGTGGAGCTC-3'
Protein context (NP_001278992.1, residues 2663-2683): CGCAKYECVK[Ala2673Asp]PVCLSRELGV

ClinVar aggregate classification (germline): Uncertain significance. Review status: criteria provided, multiple submitters, no conflicts (2 of 4 stars). 6 submissions from 6 submitters: Uncertain significance (6). Last evaluated 2026-08-06.

Conditions:
OTOG-related disorder. Also called: OTOG-related condition.

Submissions (6):

GeneDx
Classification: Uncertain significance. Last evaluated: 2026-08-06. Review status: criteria provided, single submitter. Criteria: GeneDx Variant Classification Process June 2021. Collection method: clinical testing. Allele origin: germline.
Comment: In silico analysis suggests that this variant does not alter protein structure/function; Has not been previously published as pathogenic or benign to our knowledge

PreventionGenetics, part of Exact Sciences
Classification: Uncertain significance for OTOG-related condition. Last evaluated: 2026-04-09. Review status: criteria provided, single submitter. Criteria: ACMG Guidelines, 2015. Collection method: clinical testing. Allele origin: germline.
Comment: The OTOG c.8054_8055delinsAT variant is predicted to result in an in-frame deletion and insertion. To our knowledge, this variant has not been reported in the literature or in a large population database (gnomAD), indicating this variant is rare. At this time, the clinical significance of this variant is uncertain due to the absence of conclusive functional and genetic evidence.

Labcorp Genetics (formerly Invitae), Labcorp
Classification: Uncertain significance. Last evaluated: 2023-10-13. Review status: criteria provided, single submitter. Criteria: Invitae Variant Classification Sherloc (09022015). Collection method: clinical testing. Allele origin: germline.
Comment: This sequence change replaces alanine, which is neutral and non-polar, with aspartic acid, which is acidic and polar, at codon 2685 of the OTOG protein (p.Ala2685Asp). This variant is present in population databases (no rsID available, gnomAD 0.03%). This variant has not been reported in the literature in individuals affected with OTOG-related conditions. ClinVar contains an entry for this variant (Variation ID: 229106). An algorithm developed to predict the effect of missense changes on protein structure and function (PolyPhen-2) suggests that this variant is likely to be disruptive. In summary, the available evidence is currently insufficient to determine the role of this variant in disease. Therefore, it has been classified as a Variant of Uncertain Significance.

Mayo Clinic Laboratories, Mayo Clinic
Classification: Uncertain significance. Last evaluated: 2022-02-01. Review status: criteria provided, single submitter. Criteria: ACMG Guidelines, 2015. Collection method: clinical testing. Allele origin: germline. Observed: 1 variant allele.
Comment: BP4

Blueprint Genetics
Classification: Uncertain significance. Last evaluated: 2019-07-17. Review status: criteria provided, single submitter. Criteria: ACMG Guidelines, 2015. Collection method: clinical testing. Allele origin: germline.

Laboratory for Molecular Medicine, Mass General Brigham Personalized Medicine
Classification: Uncertain significance. Last evaluated: 2016-03-22. Review status: criteria provided, single submitter. Criteria: LMM Criteria. Collection method: clinical testing. Allele origin: germline. Observed: 2 variant alleles.
Comment: Variant classified as Uncertain Significance - Favor Benign. Although the coding change identified in this individual (c.805 4_8055delinsAT) was not reported in large population databases, the two componen t variants, c.8054C>A and c.8055C>T were reported in 1/4874 and 1/4880 European chromosomes, respectively, by the Exome Aggregation Consortium (ExAC; dbSNP rs563948391 and rs531303093). While these variants a re likely to represent the c.8054_8055delinsAT variant, at this time we cannot c onfirm that the two variants were identified on the same chromosome in the ExAC cohort. Furthermore, alanine (Ala) at position 2685 is conserved in mammals but not in evolutionarily distant species, with >15 species of birds carry an aspart ic acid (Asp) at this position, raising the possibility that this change may be tolerated. Additional computational prediction tools do not provide strong evide nce for or against an impact to the protein. In summary, while the clinical sign ificance of the p.Ala2685Asp variant is uncertain, the conservation data suggest s that it is more likely to be benign.